The following is an entry in ClinVar:

ClinVar aggregate classification (germline): Uncertain significance (1 of 4 stars; one submission).

Conditions:
Sulfite oxidase deficiency due to molybdenum cofactor deficiency type A. Also called: Molybdenum Cofactor Deficiency A; Molybdenum cofactor deficiency, complementation group A. Identifiers: Orphanet 308386, Orphanet 833, MedGen C1854988, MONDO:0009643, OMIM 252150.

gnomAD v4.1: 1 of 1,603,034 alleles (0.000062%); highest among the groups gnomAD compares: Non-Finnish European, 0.000085%; no homozygotes.

Submission:

Labcorp Genetics (formerly Invitae), Labcorp
Classification: Uncertain significance for Sulfite oxidase deficiency due to molybdenum cofactor deficiency type A. Last evaluated: 2024-10-16. Review status: criteria provided, single submitter. Criteria: Invitae Variant Classification Sherloc (09022015). Collection method: clinical testing. Allele origin: germline.
Comment: This sequence change falls in intron 4 of the MOCS1 gene. It does not directly change the encoded amino acid sequence of the MOCS1 protein. It affects a nucleotide within the consensus splice site. This variant is present in population databases (no rsID available, gnomAD 0.007%). This variant has not been reported in the literature in individuals affected with MOCS1-related conditions. Variants that disrupt the consensus splice site are a relatively common cause of aberrant splicing (PMID: 17576681, 9536098). Algorithms developed to predict the effect of sequence changes on RNA splicing suggest that this variant may create or strengthen a splice site. In summary, the available evidence is currently insufficient to determine the role of this variant in disease. Therefore, it has been classified as a Variant of Uncertain Significance.

Literature cited by the submitters: PubMed 17576681; PubMed 9536098.

NM_001358530.2(MOCS1):c.583+5G>A

Gene: MOCS1 (molybdenum cofactor synthesis 1; minus strand). Cytogenetic location: 6p21.2.
Variant type: single nucleotide variant.
Coding change: c.583+5G>A on transcript NM_001358530.2 (MANE Select); 5 bases into the intron after coding-DNA position 583, G replaced by A.
Molecular consequence: intron variant.
Genome position (GRCh38, 1-based): chr6:39,916,063, C>T on the plus strand (G>A on the coding strand, the complement: MOCS1 is on the minus strand). VCF-style: chr6-39916063-C-T. GRCh37 (hg19) VCF-style: chr6-39883807-C-T.
Other names: c.322+5G>A (NM_001358531.2, NM_001358533.2, NM_001358534.2); c.583+5G>A (NM_001358529.2, NM_001075098.4, NM_005943.6).
Identifiers: ClinVar variation 3632598 (VCV003632598.2).